The following is an entry in ClinVar:

ClinVar aggregate classification (germline): Uncertain significance (1 of 4 stars; one submission).

Conditions:
Inborn genetic diseases. Identifiers: MedGen C0950123, MeSH D030342.

Submission:

Ambry Genetics
Classification: Uncertain significance for Inborn genetic diseases. Last evaluated: 2021-02-26. Review status: criteria provided, single submitter. Criteria: Ambry Variant Classification Scheme 2023. Collection method: clinical testing. Allele origin: germline.
Comment: The p.S1065A variant (also known as c.3193T>G), located in coding exon 4 of the PRX gene, results from a T to G substitution at nucleotide position 3193. The serine at codon 1065 is replaced by alanine, an amino acid with similar properties. This amino acid position is well conserved in available vertebrate species. In addition, this alteration is predicted to be tolerated by in silico analysis. Since supporting evidence is limited at this time, the clinical significance of this alteration remains unclear.

NM_181882.3(PRX):c.3193T>G (p.Ser1065Ala)

Gene: PRX (periaxin; minus strand). Cytogenetic location: 19q13.2.
Variant type: single nucleotide variant.
Coding change: c.3193T>G on transcript NM_181882.3 (MANE Select); coding-DNA position 3193, T replaced by G.
Protein change: p.Ser1065Ala; replaces serine 1065 with alanine.
Molecular consequence: missense variant. On other transcripts: 3 prime UTR variant (1).
Genome position (GRCh38, 1-based): chr19:40,395,159, A>C on the plus strand (T>G on the coding strand, the complement: PRX is on the minus strand). VCF-style: chr19-40395159-A-C. GRCh37 (hg19) VCF-style: chr19-40901066-A-C.
Other names: c.3478T>G, p.Ser1160Ala (NM_001411127.1); c.*3398T>G (NM_020956.2); short protein forms S1065A, S1160A.
Identifiers: ClinVar variation 1728695 (VCV001728695.2), dbSNP rs928322159, ClinGen allele CA405894753.